The following is an entry in ClinVar:

NM_015046.7(SETX):c.3433C>G (p.Arg1145Gly)

Gene: SETX (senataxin; minus strand). Cytogenetic location: 9q34.13.
Variant type: single nucleotide variant.
Coding change: c.3433C>G on transcript NM_015046.7 (MANE Select); coding-DNA position 3433, C replaced by G.
Protein change: p.Arg1145Gly; replaces arginine 1145 with glycine.
Molecular consequence: missense variant.
Genome position (GRCh38, 1-based): chr9:132,328,165, G>C on the plus strand (C>G on the coding strand, the complement: SETX is on the minus strand). VCF-style: chr9-132328165-G-C. GRCh37 (hg19) VCF-style: chr9-135203552-G-C.
Other names: c.3433C>G, p.Arg1145Gly (NM_001351527.2, NM_001351528.2); short protein forms R1145G.
Identifiers: ClinVar variation 4526101 (VCV004526101.1).

ClinVar aggregate classification (germline): Uncertain significance (1 of 4 stars; one submission).

Submission:

Women's Health and Genetics/Laboratory Corporation of America, LabCorp
Classification: Uncertain significance. Last evaluated: 2025-07-08. Review status: criteria provided, single submitter. Criteria: LabCorp Variant Classification Summary - May 2015. Collection method: clinical testing. Allele origin: germline.
Comment: Variant summary: SETX c.3433C>G (p.Arg1145Gly) results in a non-conservative amino acid change in the encoded protein sequence. Algorithms developed to predict the effect of missense changes on protein structure and function are either unavailable or do not agree on the potential impact of this missense change. The variant was absent in 250878 control chromosomes. The available data on variant occurrences in the general population are insufficient to allow any conclusion about variant significance. To our knowledge, no occurrence of c.3433C>G in individuals affected with Spinocerebellar ataxia, autosomal recessive, with axonal neuropathy 2 and no experimental evidence demonstrating its impact on protein function have been reported. No submitters have cited clinical-significance assessments for this variant to ClinVar. Based on the evidence outlined above, the variant was classified as uncertain significance.